The following is an entry in ClinVar:

ClinVar aggregate classification (germline): Uncertain significance (1 of 4 stars; one submission).

Conditions:
Hereditary cancer-predisposing syndrome. Also called: Neoplastic Syndromes, Hereditary; Tumor predisposition; Hereditary neoplastic syndrome; Hereditary Cancer Syndrome. Identifiers: Orphanet 140162, MedGen C0027672, MeSH D009386, MONDO:0015356.

gnomAD v4.1: 1 of 1,613,986 alleles (0.000062%); no homozygotes.

Submission:

Ambry Genetics
Classification: Uncertain significance for Hereditary cancer-predisposing syndrome. Last evaluated: 2026-08-31. Review status: criteria provided, single submitter. Criteria: Ambry Variant Classification Scheme 2023. Collection method: clinical testing. Allele origin: germline.
Comment: The p.C65G variant (also known as c.193T>G), located in coding exon 2 of the TSC2 gene, results from a T to G substitution at nucleotide position 193. The cysteine at codon 65 is replaced by glycine, an amino acid with highly dissimilar properties. This amino acid position is conserved. In addition, this alteration is predicted to be deleterious by in silico analysis. Based on the available evidence, the clinical significance of this variant remains unclear.

NM_000548.5(TSC2):c.193T>G (p.Cys65Gly)

Gene: TSC2 (TSC complex subunit 2; plus strand). Cytogenetic location: 16p13.3.
Variant type: single nucleotide variant.
Coding change: c.193T>G on transcript NM_000548.5 (MANE Select); coding-DNA position 193, T replaced by G.
Protein change: p.Cys65Gly; replaces cysteine 65 with glycine.
Molecular consequence: missense variant. On other transcripts: 5 prime UTR variant (20), non-coding transcript variant (5).
Genome position (GRCh38, 1-based): chr16:2,050,454, T>G. VCF-style: chr16-2050454-T-G. GRCh37 (hg19) VCF-style: chr16-2100455-T-G.
Other names: c.193T>G, p.Cys65Gly (NM_001077183.3, NM_001114382.3, NM_001318827.2 and 13 more transcripts); c.46T>G, p.Cys16Gly (NM_001318829.2, NM_001406675.1, NM_001406676.1 and 2 more transcripts); c.-34T>G (NM_001318831.2, NM_001406682.1, NM_001406684.1 and 3 more transcripts); c.226T>G, p.Cys76Gly (NM_001318832.2); c.-624T>G (NM_001406680.1, NM_001406683.1, NM_001406687.1); c.-253T>G (NM_001406681.1); c.-1239T>G (NM_001406689.1, NM_001406690.1, NM_001406691.1 and 2 more transcripts); c.-1545T>G (NM_001406693.1); and 3 more; short protein forms C76G, C16G, C65G.
Identifiers: ClinVar variation 5031402 (VCV005031402.1).